The following is an entry in ClinVar:

NM_001371279.1(REEP1):c.105+1G>T

Gene: REEP1 (receptor accessory protein 1; minus strand). Cytogenetic location: 2p11.2.
Variant type: single nucleotide variant.
Coding change: c.105+1G>T on transcript NM_001371279.1 (MANE Select); the canonical splice donor site of the intron after coding-DNA position 105, G replaced by T.
Molecular consequence: splice donor variant. On other transcripts: intron variant (1).
Genome position (GRCh38, 1-based): chr2:86,282,169, C>A on the plus strand (G>T on the coding strand, the complement: REEP1 is on the minus strand). VCF-style: chr2-86282169-C-A. GRCh37 (hg19) VCF-style: chr2-86509292-C-A.
Other names: c.126+1G>T (NM_001164730.2); c.25-18128G>T (NM_001164731.2); c.105+1G>T (NM_001164732.2, NM_001371280.1, NM_022912.3 and 2 more transcripts).
Identifiers: ClinVar variation 4750605 (VCV004750605.1).

ClinVar aggregate classification (germline): Pathogenic (1 of 4 stars; one submission).

Conditions:
Hereditary spastic paraplegia 31. Also called: SPASTIC PARAPLEGIA 31, AUTOSOMAL DOMINANT. Identifiers: Orphanet 101011, MedGen C1853247, MONDO:0012453, OMIM 610250.

Submission:

Labcorp Genetics (formerly Invitae), Labcorp
Classification: Pathogenic for Hereditary spastic paraplegia 31. Last evaluated: 2025-08-03. Review status: criteria provided, single submitter. Criteria: Invitae Variant Classification Sherloc (09022015). Collection method: clinical testing. Allele origin: germline.
Comment: This sequence change affects a donor splice site in intron 2 of the REEP1 gene. It is expected to disrupt RNA splicing. Variants that disrupt the donor or acceptor splice site typically lead to a loss of protein function (PMID: 16199547), and loss-of-function variants in REEP1 are known to be pathogenic (PMID: 18321925, 18644145, 32655478). This variant is not present in population databases (gnomAD no frequency). Disruption of this splice site has been observed in individuals with hereditary spastic paraplegia (internal data). Algorithms developed to predict the effect of sequence changes on RNA splicing suggest that this variant may disrupt the consensus splice site. For these reasons, this variant has been classified as Pathogenic.

Literature cited by the submitters: PubMed 16199547; PubMed 18321925; PubMed 18644145; PubMed 32655478.